The following is an entry in ClinVar:

ClinVar aggregate classification (germline): Uncertain significance (1 of 4 stars; one submission).

Conditions:
Adams-Oliver syndrome 5 (AOS5). Identifiers: Orphanet 974, MedGen C4014970, MONDO:0014459, OMIM 616028.

gnomAD v4.1: 2 of 1,613,024 alleles (0.00012%); highest among the groups gnomAD compares: South Asian, 0.0011%; no homozygotes.

Submission:

Labcorp Genetics (formerly Invitae), Labcorp
Classification: Uncertain significance for Adams-Oliver syndrome 5. Last evaluated: 2022-10-30. Review status: criteria provided, single submitter. Criteria: Invitae Variant Classification Sherloc (09022015). Collection method: clinical testing. Allele origin: germline.
Comment: This variant is not present in population databases (gnomAD no frequency). In summary, the available evidence is currently insufficient to determine the role of this variant in disease. Therefore, it has been classified as a Variant of Uncertain Significance. Advanced modeling of protein sequence and biophysical properties (such as structural, functional, and spatial information, amino acid conservation, physicochemical variation, residue mobility, and thermodynamic stability) performed at Invitae indicates that this missense variant is not expected to disrupt NOTCH1 protein function. This variant has not been reported in the literature in individuals affected with NOTCH1-related conditions. This sequence change replaces serine, which is neutral and polar, with asparagine, which is neutral and polar, at codon 773 of the NOTCH1 protein (p.Ser773Asn).

NM_017617.5(NOTCH1):c.2318G>A (p.Ser773Asn)

Gene: NOTCH1 (notch receptor 1; minus strand). Cytogenetic location: 9q34.3.
Variant type: single nucleotide variant.
Coding change: c.2318G>A on transcript NM_017617.5 (MANE Select); coding-DNA position 2318, G replaced by A.
Protein change: p.Ser773Asn; replaces serine 773 with asparagine.
Molecular consequence: missense variant.
Genome position (GRCh38, 1-based): chr9:136,513,427, C>T on the plus strand (G>A on the coding strand, the complement: NOTCH1 is on the minus strand). VCF-style: chr9-136513427-C-T. GRCh37 (hg19) VCF-style: chr9-139407879-C-T.
Other names: short protein forms S773N.
Identifiers: ClinVar variation 2810653 (VCV002810653.3), dbSNP rs758073507, ClinGen allele CA375556979.